The following is an entry in ClinVar:

NM_000451.4(SHOX):c.631C>T (p.Gln211Ter)

Gene: SHOX (SHOX homeobox; plus strand). Cytogenetic location: Xp22.33.
Variant type: single nucleotide variant.
Coding change: c.631C>T on transcript NM_000451.4 (MANE Select); coding-DNA position 631, C replaced by T.
Protein change: p.Gln211Ter; replaces glutamine 211 with a stop codon.
Molecular consequence: nonsense.
Genome position (GRCh38, 1-based): chrX:641,085, C>T. VCF-style: chrX-641085-C-T. GRCh37 (hg19) VCF-style: chrX-601820-C-T.
Other names: NC_000023.10:g.601820C>T; c.631C>T, p.Gln211Ter (NM_006883.2); short protein forms Q211*.
Identifiers: ClinVar variation 3253398 (VCV003253398.3), dbSNP rs2522131120.

ClinVar aggregate classification (germline): Pathogenic/Likely pathogenic. Review status: criteria provided, multiple submitters, no conflicts (2 of 4 stars). 2 submissions from 2 submitters: Pathogenic (1); Likely pathogenic (1). Last evaluated 2025-10-05.

Conditions:
SHOX-related disorder. Also called: SHOX-related condition.

Submissions (3):

PreventionGenetics, part of Exact Sciences
Classification: Pathogenic for SHOX-related condition. Last evaluated: 2025-10-05. Review status: criteria provided, single submitter. Criteria: ACMG Guidelines, 2015. Collection method: clinical testing. Allele origin: germline.
Comment: The SHOX c.631C>T variant is predicted to result in premature protein termination (p.Gln211*). This variant has been reported in the heterozygous state in five individuals in a family with Leri-Weill dyschondrosteosis (Gürsoy et al. 2020. PubMed ID: 32295321). This variant has not been reported in a large population database (gnomAD), indicating this variant is rare. Nonsense variants in SHOX are expected to be pathogenic. This variant is interpreted as pathogenic.

GeneDx
Classification: Likely pathogenic. Last evaluated: 2023-12-11. Review status: criteria provided, single submitter. Criteria: GeneDx Variant Classification Process June 2021. Collection method: clinical testing. Allele origin: germline. Affected: yes.
Comment: Nonsense variant predicted to result in protein truncation, as the last 82 amino acids are lost, and other loss-of-function variants have been reported downstream in HGMD; Not observed at significant frequency in large population cohorts (gnomAD); This variant is associated with the following publications: (PMID: 32295321)

Dr. Peter K. Rogan Lab, Western University
No classification provided (evidence only). Condition: Nonpapillary renal cell carcinoma. Review status: no classification provided. Collection method: in vitro. Allele origin: not applicable. Functional consequence: retained intron. Not counted in ClinVar's aggregate classification.